The following is an entry in ClinVar:

ClinVar aggregate classification (germline): Benign/Likely benign. Review status: criteria provided, multiple submitters, no conflicts (2 of 4 stars). 4 submissions from 4 submitters: Benign (2); Likely benign (2). Last evaluated 2026-02-04.

Conditions:
Junctional epidermolysis bullosa with pyloric atresia. Also called: EPIDERMOLYSIS BULLOSA, JUNCTIONAL 5B, WITH PYLORIC ATRESIA; Junctional Epidermolysis Bullosa- Pyloric Atresia Syndrome; APLASIA CUTIS CONGENITA WITH GASTROINTESTINAL ATRESIA; CARMI SYNDROME; EB-PA-ACC; ITGB4-Related Epidermolysis Bullosa with Pyloric Atresia. Identifiers: Orphanet 79403, MedGen C5676875, MONDO:0009183, OMIM 226730.

Allele frequency attached by ClinVar (database versions not stated): 1000 Genomes Project 30x 0.01171; 1000 Genomes Project 0.01258; gnomAD 0.02490 and 0.02476; TOPMed 0.02102; ExAC 0.02704; gnomAD exomes 0.03272 and 0.02587; ESP Exome Variant Server 0.02479.
gnomAD v4.1: 51,309 of 1,612,536 alleles (3.2%); highest among the groups gnomAD compares: Non-Finnish European, 3.6%; 987 homozygotes.

Submissions (4):

Labcorp Genetics (formerly Invitae), Labcorp
Classification: Benign. Last evaluated: 2026-02-04. Review status: criteria provided, single submitter. Criteria: Invitae Variant Classification Sherloc (09022015). Collection method: clinical testing. Allele origin: germline.

GeneDx
Classification: Likely benign. Last evaluated: 2018-07-06. Review status: criteria provided, single submitter. Criteria: GeneDx Variant Classification Process June 2021. Collection method: clinical testing. Allele origin: germline. Affected: yes.

Illumina Laboratory Services, Illumina
Classification: Benign for Junctional epidermolysis bullosa with pyloric atresia. Last evaluated: 2018-01-13. Review status: criteria provided, single submitter. Criteria: ICSL Variant Classification Criteria 13 December 2019. Collection method: clinical testing. Allele origin: germline.
Comment: This variant was observed in the ICSL laboratory as part of a predisposition screen in an ostensibly healthy population. It had not been previously curated by ICSL or reported in the Human Gene Mutation Database (HGMD: prior to June 1st, 2018), and was therefore a candidate for classification through an automated scoring system. Utilizing variant allele frequency, disease prevalence and penetrance estimates, and inheritance mode, an automated score was calculated to assess if this variant is too frequent to cause the disease. Based on the score and internal cut-off values, a variant classified as benign is not then subjected to further curation. The score for this variant resulted in a classification of benign for this disease.

Breakthrough Genomics
Classification: Likely benign. Review status: criteria provided, single submitter. Criteria: ACMG Guidelines, 2015. Collection method: not provided. Allele origin: germline. Inheritance: Autosomal recessive inheritance. Affected: yes.

NM_000213.5(ITGB4):c.3976+15G>C

Genes: GALK1 (galactokinase 1; minus strand), ITGB4 (integrin subunit beta 4; plus strand). Cytogenetic location: 17q25.1.
Variant type: single nucleotide variant.
Coding change: c.3976+15G>C on transcript NM_000213.5 (MANE Select); 15 bases into the intron after coding-DNA position 3976, G replaced by C.
Molecular consequence: intron variant.
Genome position (GRCh38, 1-based): chr17:75,752,371, G>C. VCF-style: chr17-75752371-G-C. GRCh37 (hg19) VCF-style: chr17-73748452-G-C.
Other names: c.3976+15G>C (NM_001321123.2, NM_001005619.2, NM_001005731.3 and 1 more transcripts); c.*23-634C>G (NM_001381985.1).
Identifiers: ClinVar variation 325187 (VCV000325187.15), dbSNP rs2603499, ClinGen allele CA8769986.